The following is an entry in ClinVar:

NM_014391.3(ANKRD1):c.950C>G (p.Ala317Gly)

Gene: ANKRD1 (ankyrin repeat domain 1; minus strand). Cytogenetic location: 10q23.31.
Variant type: single nucleotide variant.
Coding change: c.950C>G on transcript NM_014391.3 (MANE Select); coding-DNA position 950, C replaced by G.
Protein change: p.Ala317Gly; replaces alanine 317 with glycine.
Molecular consequence: missense variant.
Genome position (GRCh38, 1-based): chr10:90,912,876, G>C on the plus strand (C>G on the coding strand, the complement: ANKRD1 is on the minus strand). VCF-style: chr10-90912876-G-C. GRCh37 (hg19) VCF-style: chr10-92672633-G-C.
Other names: short protein forms A317G.
Identifiers: ClinVar variation 4849053 (VCV004849053.1).

ClinVar aggregate classification (germline): Uncertain significance (1 of 4 stars; one submission).

Submission:

Women's Health and Genetics/Laboratory Corporation of America, LabCorp
Classification: Uncertain significance. Last evaluated: 2026-04-27. Review status: criteria provided, single submitter. Criteria: LabCorp Variant Classification Summary - May 2015. Collection method: clinical testing. Allele origin: germline.
Comment: Variant summary: ANKRD1 c.950C>G (p.Ala317Gly) results in a non-conservative amino acid change in the encoded protein sequence. Algorithms developed to predict the effect of missense changes on protein structure and function are either unavailable or do not agree on the potential impact of this missense change. The variant was absent in 250996 control chromosomes. The available data on variant occurrences in the general population are insufficient to allow any conclusion about variant significance. To our knowledge, no occurrence of c.950C>G in individuals affected with ANKRD1-related conditions and no experimental evidence demonstrating its impact on protein function have been reported. No submitters have cited clinical-significance assessments for this variant to ClinVar. Based on the evidence outlined above, the variant was classified as uncertain significance.